The following is an entry in ClinVar:

ClinVar aggregate classification (germline): Pathogenic (1 of 4 stars; one submission).

Conditions:
Familial infantile myasthenia (CMS6). Also called: Congenital myasthenic syndrome type 6; MYASTHENIC SYNDROME, PRESYNAPTIC, CONGENITAL, ASSOCIATED WITH EPISODIC APNEA; MYASTHENIC SYNDROME, CONGENITAL, 6, PRESYNAPTIC. Identifiers: Orphanet 590, MedGen C0393929, MONDO:0009689, OMIM 254210.

Submission:

Labcorp Genetics (formerly Invitae), Labcorp
Classification: Pathogenic for Familial infantile myasthenia. Last evaluated: 2021-09-17. Review status: criteria provided, single submitter. Criteria: Invitae Variant Classification Sherloc (09022015). Collection method: clinical testing. Allele origin: germline.
Comment: This sequence change creates a premature translational stop signal (p.Val318Serfs*16) in the CHAT gene. It is expected to result in an absent or disrupted protein product. Loss-of-function variants in CHAT are known to be pathogenic (PMID: 12548525, 21786365, 23292760). This variant is not present in population databases (ExAC no frequency). This variant has not been reported in the literature in individuals affected with CHAT-related conditions. ClinVar contains an entry for this variant (Variation ID: 1073040). For these reasons, this variant has been classified as Pathogenic.

Literature cited by the submitters: PubMed 12548525; PubMed 21786365; PubMed 23292760.

NM_020549.5(CHAT):c.951del (p.Val318fs)

Gene: CHAT (choline O-acetyltransferase; plus strand). Cytogenetic location: 10q11.23.
Variant type: Deletion.
Coding change: c.951del on transcript NM_020549.5 (MANE Select); coding-DNA position 951, one base deleted (T; older notation c.951delT).
Protein change: p.Val318fs; shifts the reading frame from valine 318.
Molecular consequence: frameshift variant.
Genome position (GRCh38, 1-based): chr10:49,627,625, T deleted; the last of 2 consecutive T bases (chr10:49,627,624-49,627,625); deleting either gives the same sequence. VCF-style (leftmost placement, unchanged base first): chr10-49627623-GT-G. GRCh37 (hg19) VCF-style: chr10-50835669-GT-G.
Other names: c.597del, p.Val200fs (NM_001142929.2, NM_001142934.2, NM_020984.4 and 2 more transcripts); c.705del, p.Val236fs (NM_001142933.2); short protein forms V200fs, V236fs, V318fs.
Identifiers: ClinVar variation 1073040 (VCV001073040.2), dbSNP rs2132735050, ClinGen allele CA2499220260.